The following is an entry in ClinVar:

NM_001080467.3(MYO5B):c.2590G>A (p.Ala864Thr)

Gene: MYO5B (myosin VB; minus strand). Cytogenetic location: 18q21.1.
Variant type: single nucleotide variant.
Coding change: c.2590G>A on transcript NM_001080467.3 (MANE Select); coding-DNA position 2590, G replaced by A.
Protein change: p.Ala864Thr; replaces alanine 864 with threonine.
Molecular consequence: missense variant.
Genome position (GRCh38, 1-based): chr18:49,902,815, C>T on the plus strand (G>A on the coding strand, the complement: MYO5B is on the minus strand). VCF-style: chr18-49902815-C-T. GRCh37 (hg19) VCF-style: chr18-47429185-C-T.
Other names: short protein forms A864T.
Identifiers: ClinVar variation 327041 (VCV000327041.16), dbSNP rs372432070, ClinGen allele CA8961001.

ClinVar aggregate classification (germline): Conflicting classifications of pathogenicity. Review status: criteria provided, conflicting classifications (1 of 4 stars). 4 submissions from 4 submitters: Uncertain significance (2); Likely benign (1). 1 of the submissions does not count toward it. Last evaluated 2025-11-04.

Conditions:
MYO5B-related disorder. Also called: MYO5B-related condition.
Congenital microvillous atrophy (DIAR2). Also called: DAVIDSON DISEASE; MICROVILLUS ATROPHY, CONGENITAL; Microvillus inclusion disease; Diarrhea 2 with microvillus atrophy, with or without cholestasis; CONGENITAL FAMILIAL PROTRACTED DIARRHEA WITH ENTEROCYTE BRUSH-BORDER ABNORMALITIES. Identifiers: Orphanet 2290, MedGen C0341306, MONDO:0009635, OMIM 251850.

Allele frequency attached by ClinVar (database versions not stated): ESP Exome Variant Server 0.00008; gnomAD exomes 0.00009 and 0.00020; gnomAD 0.00011 and 0.00012; TOPMed 0.00012.
gnomAD v4.1: 154 of 1,600,748 alleles (0.0096%); highest among the groups gnomAD compares: East Asian, 0.0022%; no homozygotes.

Submissions (4):

Labcorp Genetics (formerly Invitae), Labcorp
Classification: Likely benign. Last evaluated: 2025-11-04. Review status: criteria provided, single submitter. Criteria: Invitae Variant Classification Sherloc (09022015). Collection method: clinical testing. Allele origin: germline.

GeneDx
Classification: Uncertain significance. Last evaluated: 2020-08-18. Review status: criteria provided, single submitter. Criteria: GeneDx Variant Classification Process June 2021. Collection method: clinical testing. Allele origin: germline. Affected: yes.
Comment: In silico analysis supports that this missense variant has a deleterious effect on protein structure/function; Has not been previously published as pathogenic or benign to our knowledge

Illumina Laboratory Services, Illumina
Classification: Uncertain significance for Congenital microvillous atrophy. Last evaluated: 2018-01-13. Review status: criteria provided, single submitter. Criteria: ICSL Variant Classification Criteria 13 December 2019. Collection method: clinical testing. Allele origin: germline.

PreventionGenetics, part of Exact Sciences
Classification: Likely benign for MYO5B-related condition. Last evaluated: 2022-06-07. Review status: no assertion criteria provided. Collection method: clinical testing. Allele origin: germline. Not counted in ClinVar's aggregate classification.
Comment: This variant is classified as likely benign based on ACMG/AMP sequence variant interpretation guidelines (Richards et al. 2015 PMID: 25741868, with internal and published modifications).